The following is an entry in ClinVar:

ClinVar aggregate classification (germline): Likely benign. Review status: criteria provided, single submitter (1 of 4 stars). 2 submissions from 2 submitters: Likely benign (1). 1 of the submissions does not count toward it. Last evaluated 2025-03-18.

Conditions:
Hajdu-Cheney syndrome (HJCYS). Also called: SERPENTINE FIBULA-POLYCYSTIC KIDNEY SYNDROME; Acroosteolysis dominant type; ACROOSTEOLYSIS WITH OSTEOPOROSIS AND CHANGES IN SKULL AND MANDIBLE. Identifiers: Orphanet 955, MedGen C0917715, MONDO:0007057, OMIM 102500.
NOTCH2-related disorder. Also called: NOTCH2-related condition.

Allele frequency attached by ClinVar (database versions not stated): 1000 Genomes Project 30x 0.00047; TOPMed 0.00002; ExAC 0.00003; 1000 Genomes Project 0.00040; gnomAD exomes 0.00001; gnomAD 0.00003.
gnomAD v4.1: 19 of 1,614,066 alleles (0.0012%); highest among the groups gnomAD compares: East Asian, 0.022%; no homozygotes.

Submissions (2):

Labcorp Genetics (formerly Invitae), Labcorp
Classification: Likely benign for Hajdu-Cheney syndrome. Last evaluated: 2025-03-18. Review status: criteria provided, single submitter. Criteria: Invitae Variant Classification Sherloc (09022015). Collection method: clinical testing. Allele origin: germline.

PreventionGenetics, part of Exact Sciences
Classification: Likely benign for NOTCH2-related condition. Last evaluated: 2021-10-28. Review status: no assertion criteria provided. Collection method: clinical testing. Allele origin: germline. Not counted in ClinVar's aggregate classification.
Comment: This variant is classified as likely benign based on ACMG/AMP sequence variant interpretation guidelines (Richards et al. 2015 PMID: 25741868, with internal and published modifications).

NM_024408.4(NOTCH2):c.2097C>T (p.Asn699=)

Gene: NOTCH2 (notch receptor 2; minus strand). Cytogenetic location: 1p12.
Variant type: single nucleotide variant.
Coding change: c.2097C>T on transcript NM_024408.4 (MANE Select); coding-DNA position 2097, C replaced by T.
Protein change: p.Asn699=; no amino-acid change (asparagine 699 retained).
Molecular consequence: synonymous variant.
Genome position (GRCh38, 1-based): chr1:119,955,162, G>A on the plus strand (C>T on the coding strand, the complement: NOTCH2 is on the minus strand). VCF-style: chr1-119955162-G-A. GRCh37 (hg19) VCF-style: chr1-120497785-G-A.
Other names: c.2097C>T (NM_024408.3); c.2097C>T, p.Asn699= (NM_001200001.2).
Identifiers: ClinVar variation 2092262 (VCV002092262.6), dbSNP rs191795188, ClinGen allele CA1040382.
Genomic context (GRCh38, chr1:119,955,162, plus strand): 5'-TGAGTAGCAGCTGGGGTGATGGGGTCCCTCGGGGCATATACAGCGGAAACCATTCACACC[G>A]TTGATACATGTTGCACCCTTGCGACAGGGATTGGAGGCACACTCATCAATGTCAATGTTA-3'
Protein context (NP_077719.2, residues 689-709): NPCRKGATCI[Asn699=]GVNGFRCICP